The following is an entry in ClinVar:

ClinVar aggregate classification (germline): Uncertain significance. Review status: criteria provided, multiple submitters, no conflicts (2 of 4 stars). 2 submissions from 2 submitters: Uncertain significance (2). Last evaluated 2022-08-29.

Conditions:
Mucopolysaccharidosis type 1. Also called: IDUA deficiency; MPS I. Identifiers: Orphanet 579, MedGen C0023786, MONDO:0001586.

Allele frequency attached by ClinVar (database versions not stated): gnomAD exomes below 0.00001; ExAC 0.00001; gnomAD 0.00003; TOPMed 0.00006; ESP Exome Variant Server 0.00008.
gnomAD v4.1: 9 of 1,598,790 alleles (0.00056%); highest among the groups gnomAD compares: African/African-American, 0.0094%; no homozygotes.

Submissions (2):

Revvity Omics, Revvity
Classification: Uncertain significance. Last evaluated: 2022-08-29. Review status: criteria provided, single submitter. Criteria: ACMG Guidelines, 2015. Collection method: clinical testing. Allele origin: germline.

Labcorp Genetics (formerly Invitae), Labcorp
Classification: Uncertain significance for Mucopolysaccharidosis type 1. Last evaluated: 2021-09-02. Review status: criteria provided, single submitter. Criteria: Invitae Variant Classification Sherloc (09022015). Collection method: clinical testing. Allele origin: germline.
Comment: This sequence change replaces arginine with histidine at codon 210 of the IDUA protein (p.Arg210His). The arginine residue is highly conserved and there is a small physicochemical difference between arginine and histidine. This variant is present in population databases (rs371021597, ExAC 0.02%). This variant has not been reported in the literature in individuals affected with IDUA-related conditions. Algorithms developed to predict the effect of missense changes on protein structure and function output the following: SIFT: "Deleterious"; PolyPhen-2: "Benign"; Align-GVGD: "Class C0". The histidine amino acid residue is found in multiple mammalian species, which suggests that this missense change does not adversely affect protein function. In summary, the available evidence is currently insufficient to determine the role of this variant in disease. Therefore, it has been classified as a Variant of Uncertain Significance.

NM_000203.5(IDUA):c.629G>A (p.Arg210His)

Gene: IDUA (alpha-L-iduronidase; plus strand). Cytogenetic location: 4p16.3.
Variant type: single nucleotide variant.
Coding change: c.629G>A on transcript NM_000203.5 (MANE Select); coding-DNA position 629, G replaced by A.
Protein change: p.Arg210His; replaces arginine 210 with histidine.
Molecular consequence: missense variant. On other transcripts: non-coding transcript variant (1).
Genome position (GRCh38, 1-based): chr4:1,001,718, G>A. VCF-style: chr4-1001718-G-A. GRCh37 (hg19) VCF-style: chr4-995506-G-A.
Other names: c.233G>A, p.Arg78His (NM_001363576.1); short protein forms R210H, R78H.
Identifiers: ClinVar variation 2189563 (VCV002189563.4), dbSNP rs371021597, ClinGen allele CA2802037.
Genomic context (GRCh38, chr4:1,001,718, plus strand): 5'-CGCAGTGCTCCCCCGGCCCAGGCTTCCTGAACTACTACGATGCCTGCTCGGAGGGTCTGC[G>A]CGCCGCCAGCCCCGCCCTGCGGCTGGGAGGCCCCGGCGACTCCTTCCACACCCCACCGCG-3'
Protein context (NP_000194.2, residues 200-220): NYYDACSEGL[Arg210His]AASPALRLGG